The following is an entry in ClinVar:

ClinVar aggregate classification (germline): Uncertain significance (1 of 4 stars; one submission).

Submission:

GeneDx
Classification: Uncertain significance. Last evaluated: 2022-11-28. Review status: criteria provided, single submitter. Criteria: GeneDx Variant Classification Process June 2021. Collection method: clinical testing. Allele origin: germline. Affected: yes.
Comment: Not observed at significant frequency in large population cohorts (gnomAD); In silico analysis supports that this missense variant has a deleterious effect on protein structure/function; Has not been previously published as pathogenic or benign to our knowledge

NM_139319.3(SLC17A8):c.1178A>G (p.Asn393Ser)

Gene: SLC17A8 (solute carrier family 17 member 8; plus strand). Cytogenetic location: 12q23.1.
Variant type: single nucleotide variant.
Coding change: c.1178A>G on transcript NM_139319.3 (MANE Select); coding-DNA position 1178, A replaced by G.
Protein change: p.Asn393Ser; replaces asparagine 393 with serine.
Molecular consequence: missense variant.
Genome position (GRCh38, 1-based): chr12:100,404,162, A>G. VCF-style: chr12-100404162-A-G. GRCh37 (hg19) VCF-style: chr12-100797940-A-G.
Other names: c.1028A>G, p.Asn343Ser (NM_001145288.2); short protein forms N343S, N393S.
Identifiers: ClinVar variation 2503369 (VCV002503369.1), dbSNP rs2500303085, ClinGen allele CA386219618.